The following is an entry in ClinVar:

ClinVar aggregate classification (germline): Uncertain significance (1 of 4 stars; one submission).

Conditions:
Frontotemporal dementia (FTD1). Also called: FRONTOTEMPORAL DEMENTIA WITH PARKINSONISM; FRONTOTEMPORAL LOBE DEMENTIA; MULTIPLE SYSTEM TAUOPATHY WITH PRESENILE DEMENTIA; Dementia, frontotemporal, with or without parkinsonism; WILHELMSEN-LYNCH DISEASE; Frontotemporal lobe dementia (FLDEM). Identifiers: Orphanet 282, MedGen C0338451, MONDO:0017276, OMIM 600274, HP:0002145.

gnomAD v4.1: 1 of 1,574,190 alleles (0.000064%); highest among the groups gnomAD compares: Non-Finnish European, 0.000086%; no homozygotes.

Submission:

Labcorp Genetics (formerly Invitae), Labcorp
Classification: Uncertain significance for Frontotemporal dementia. Last evaluated: 2023-04-16. Review status: criteria provided, single submitter. Criteria: Invitae Variant Classification Sherloc (09022015). Collection method: clinical testing. Allele origin: germline.
Comment: Advanced modeling of protein sequence and biophysical properties (such as structural, functional, and spatial information, amino acid conservation, physicochemical variation, residue mobility, and thermodynamic stability) performed at Invitae indicates that this missense variant is expected to disrupt MAPT protein function. In summary, the available evidence is currently insufficient to determine the role of this variant in disease. Therefore, it has been classified as a Variant of Uncertain Significance. This variant disrupts the p.Pro301 amino acid residue in MAPT. Other variant(s) that disrupt this residue have been determined to be pathogenic (PMID: 9641683, 26220942, 26269332, 27439681). This suggests that this residue is clinically significant, and that variants that disrupt this residue are likely to be disease-causing. This variant has not been reported in the literature in individuals affected with MAPT-related conditions. This variant is not present in population databases (gnomAD no frequency). This sequence change replaces proline, which is neutral and non-polar, with arginine, which is basic and polar, at codon 301 of the MAPT protein (p.Pro301Arg).

Literature cited by the submitters: PubMed 9641683; PubMed 26220942; PubMed 26269332; PubMed 27439681.

NM_001377265.1(MAPT):c.2078C>G (p.Pro693Arg)

Gene: MAPT (microtubule associated protein tau). Cytogenetic location: 17q21.31.
Variant type: single nucleotide variant.
Coding change: c.2078C>G on transcript NM_001377265.1 (MANE Select); coding-DNA position 2078, C replaced by G.
Protein change: p.Pro693Arg; replaces proline 693 with arginine.
Molecular consequence: missense variant. On other transcripts: intron variant (6).
Genome position (GRCh38, 1-based): chr17:46,010,389, C>G. VCF-style: chr17-46010389-C-G. GRCh37 (hg19) VCF-style: chr17-44087755-C-G.
Other names: c.1907C>G, p.Pro636Arg (NM_001123066.4); c.815C>G, p.Pro272Arg (NM_001123067.4); c.902C>G, p.Pro301Arg (NM_005910.6); c.728C>G, p.Pro243Arg (NM_016834.5); c.1853C>G, p.Pro618Arg (NM_016835.5); c.649-3854C>G (NM_001377268.1, NM_016841.5); c.823-3854C>G (NM_001203252.2); c.1801-3854C>G (NM_001377266.1); and 1 more; short protein forms P301R, P636R, P243R, P693R, P272R, P618R.
Identifiers: ClinVar variation 2856899 (VCV002856899.3), dbSNP rs63751273, ClinGen allele CA399983372.